The following is an entry in ClinVar:

ClinVar aggregate classification (germline): Uncertain significance. Review status: criteria provided, multiple submitters, no conflicts (2 of 4 stars). 2 submissions from 2 submitters: Uncertain significance (2). Last evaluated 2023-11-21.

Conditions:
Inborn genetic diseases. Identifiers: MedGen C0950123, MeSH D030342.

Allele frequency attached by ClinVar (database versions not stated): TOPMed 0.00052; ESP Exome Variant Server 0.00092.
gnomAD v4.1: 134 of 1,613,934 alleles (0.0083%); highest among the groups gnomAD compares: African/African-American, 0.17%; no homozygotes.

Submissions (2):

Ambry Genetics
Classification: Uncertain significance for Inborn genetic diseases. Last evaluated: 2023-11-21. Review status: criteria provided, single submitter. Criteria: Ambry Variant Classification Scheme 2023. Collection method: clinical testing. Allele origin: germline.

Labcorp Genetics (formerly Invitae), Labcorp
Classification: Uncertain significance. Last evaluated: 2022-10-13. Review status: criteria provided, single submitter. Criteria: Invitae Variant Classification Sherloc (09022015). Collection method: clinical testing. Allele origin: germline.
Comment: This variant is present in population databases (rs142451916, gnomAD 0.1%). In summary, the available evidence is currently insufficient to determine the role of this variant in disease. Therefore, it has been classified as a Variant of Uncertain Significance. Advanced modeling of protein sequence and biophysical properties (such as structural, functional, and spatial information, amino acid conservation, physicochemical variation, residue mobility, and thermodynamic stability) performed at Invitae indicates that this missense variant is not expected to disrupt ATP6V0A4 protein function. This variant has not been reported in the literature in individuals affected with ATP6V0A4-related conditions. This sequence change replaces aspartic acid, which is acidic and polar, with histidine, which is basic and polar, at codon 709 of the ATP6V0A4 protein (p.Asp709His).

NM_020632.3(ATP6V0A4):c.2125G>C (p.Asp709His)

Gene: ATP6V0A4 (ATPase H+ transporting V0 subunit a4; minus strand). Cytogenetic location: 7q34.
Variant type: single nucleotide variant.
Coding change: c.2125G>C on transcript NM_020632.3 (MANE Select); coding-DNA position 2125, G replaced by C.
Protein change: p.Asp709His; replaces aspartic acid 709 with histidine.
Molecular consequence: missense variant.
Genome position (GRCh38, 1-based): chr7:138,721,911, C>G on the plus strand (G>C on the coding strand, the complement: ATP6V0A4 is on the minus strand). VCF-style: chr7-138721911-C-G. GRCh37 (hg19) VCF-style: chr7-138406656-C-G.
Other names: c.2125G>C, p.Asp709His (NM_130840.3, NM_130841.3); c.2125G>C (NM_020632.2); short protein forms D709H.
Identifiers: ClinVar variation 2067274 (VCV002067274.3), dbSNP rs142451916, ClinGen allele CA4504532.